The following is an entry in ClinVar:

NM_004714.3(DYRK1B):c.1490T>A (p.Ile497Asn)

Gene: DYRK1B (dual specificity tyrosine phosphorylation regulated kinase 1B; minus strand). Cytogenetic location: 19q13.2.
Variant type: single nucleotide variant.
Coding change: c.1490T>A on transcript NM_004714.3 (MANE Select); coding-DNA position 1490, T replaced by A.
Protein change: p.Ile497Asn; replaces isoleucine 497 with asparagine.
Molecular consequence: missense variant.
Genome position (GRCh38, 1-based): chr19:39,826,208, A>T on the plus strand (T>A on the coding strand, the complement: DYRK1B is on the minus strand). VCF-style: chr19-39826208-A-T. GRCh37 (hg19) VCF-style: chr19-40316848-A-T.
Other names: c.1370T>A, p.Ile457Asn (NM_006483.3); c.1406T>A, p.Ile469Asn (NM_006484.3); short protein forms I457N, I469N, I497N.
Identifiers: ClinVar variation 3615798 (VCV003615798.2).

ClinVar aggregate classification (germline): Uncertain significance (1 of 4 stars; one submission).

gnomAD v4.1: 3 of 1,575,188 alleles (0.00019%); highest among the groups gnomAD compares: Non-Finnish European, 0.00017%; no homozygotes.

Submission:

Labcorp Genetics (formerly Invitae), Labcorp
Classification: Uncertain significance. Last evaluated: 2024-02-14. Review status: criteria provided, single submitter. Criteria: Invitae Variant Classification Sherloc (09022015). Collection method: clinical testing. Allele origin: germline.
Comment: This sequence change replaces isoleucine, which is neutral and non-polar, with asparagine, which is neutral and polar, at codon 497 of the DYRK1B protein (p.Ile497Asn). This variant is present in population databases (rs770439991, gnomAD 0.002%). This variant has not been reported in the literature in individuals affected with DYRK1B-related conditions. Advanced modeling of protein sequence and biophysical properties (such as structural, functional, and spatial information, amino acid conservation, physicochemical variation, residue mobility, and thermodynamic stability) performed at Invitae indicates that this missense variant is not expected to disrupt DYRK1B protein function with a negative predictive value of 95%. In summary, the available evidence is currently insufficient to determine the role of this variant in disease. Therefore, it has been classified as a Variant of Uncertain Significance.